The following is an entry in ClinVar:

NM_001042492.3(NF1):c.3712del (p.Glu1238fs)

Gene: NF1 (neurofibromin 1; plus strand). Cytogenetic location: 17q11.2.
Variant type: Deletion.
Coding change: c.3712del on transcript NM_001042492.3 (MANE Select); coding-DNA position 3712, one base deleted (G; older notation c.3712delG).
Protein change: p.Glu1238fs; shifts the reading frame from glutamic acid 1238.
Molecular consequence: frameshift variant.
Genome position (GRCh38, 1-based): chr17:31,235,614, G deleted. VCF-style (leftmost placement, unchanged base first): chr17-31235613-TG-T. GRCh37 (hg19) VCF-style: chr17-29562631-TG-T.
Other names: c.3712delG, p.Glu1238Asnfs (NM_000267.4); short protein forms E1238fs.
Identifiers: ClinVar variation 2707724 (VCV002707724.3), dbSNP rs2508257808, ClinGen allele CA2697559812.

ClinVar aggregate classification (germline): Pathogenic (1 of 4 stars; one submission).

Conditions:
Neurofibromatosis, type 1 (NF1). Also called: Peripheral type neurofibromatosis; VON RECKLINGHAUSEN DISEASE; NEUROFIBROMATOSIS, TYPE I, SOMATIC; Neurofibromatosis, type I. Identifiers: Orphanet 636, MedGen C0027831, MONDO:0018975, OMIM 162200. Disease mechanism: loss of function.

Submission:

Labcorp Genetics (formerly Invitae), Labcorp
Classification: Pathogenic for Neurofibromatosis, type 1. Last evaluated: 2024-01-05. Review status: criteria provided, single submitter. Criteria: Invitae Variant Classification Sherloc (09022015). Collection method: clinical testing. Allele origin: germline.
Comment: This sequence change creates a premature translational stop signal (p.Glu1238Asnfs*2) in the NF1 gene. It is expected to result in an absent or disrupted protein product. Loss-of-function variants in NF1 are known to be pathogenic (PMID: 10712197, 23913538). This variant is not present in population databases (gnomAD no frequency). This variant has not been reported in the literature in individuals affected with NF1-related conditions. For these reasons, this variant has been classified as Pathogenic.

Literature cited by the submitters: PubMed 10712197; PubMed 23913538.